The following is an entry in ClinVar:

ClinVar aggregate classification (germline): Pathogenic. Review status: reviewed by expert panel (3 of 4 stars). 15 submissions from 15 submitters: Pathogenic (1). 14 of the submissions do not count toward it. Last evaluated 2026-05-19.

Conditions:
PIK3R1-related disorder. Also called: PIK3R1-related condition.
SHORT syndrome. Also called: PIK3R1-Related SHORT Syndrome; LIPODYSTROPHY, PARTIAL, WITH RIEGER ANOMALY AND SHORT STATURE; SHORT STATURE, HYPEREXTENSIBILITY, HERNIA, OCULAR DEPRESSION, RIEGER ANOMALY, AND TEETHING DELAY. Identifiers: Orphanet 3163, MedGen C0878684, MONDO:0010026, OMIM 269880.
Agammaglobulinemia 7, autosomal recessive (AGM7). Also called: AGAMMAGLOBULINEMIA, AUTOSOMAL RECESSIVE, DUE TO PIK3R1 DEFECT. Identifiers: MedGen C3554689, MONDO:0014083, OMIM 615214.
Immunodeficiency 36 with lymphoproliferation. Also called: ACTIVATED PI3K-DELTA SYNDROME 2; Immunodeficiency 36; Activated PI3K Delta Syndrome Type 2 (APDS2). Identifiers: Orphanet 397596, Orphanet 693681, MedGen C4014934, MONDO:0014453, OMIM 616005.
Inborn genetic diseases. Identifiers: MedGen C0950123, MeSH D030342.
PIK3R1-related immunodeficiency and SHORT syndrome. Identifiers: MedGen CN379774, MONDO:1060136.
Inherited Immunodeficiency Diseases. Identifiers: MedGen C5197805, MeSH D000081207.

Submissions 1 to 12 of 17:

ClinGen Primary Immune Regulatory Disorders Variant Curation Expert Panel, ClinGen
Classification: Pathogenic for PIK3R1-related immunodeficiency and SHORT syndrome. Last evaluated: 2026-05-19. Review status: reviewed by expert panel. Criteria: ClinGen AbDef ACMG Specifications PIK3R1 V1.0.0. Collection method: curation. Allele origin: germline. Inheritance: Autosomal dominant inheritance.
Comment: NM_181523.3(PIK3R1):c.1425+1G>A disrupts a canonical splice site in intron 11 that is predicted to cause in-frame skipping of exon 11, resulting in disruption of PIK3R1 function (PVS1_Strong). This variant is absent from gnomAD v4.1.0 (PM2_Supporting). At least one patient with this variant had a phenotype that included sinopulmonary infections (4 pts), severe juvenile rheumatoid arthritis, lymphadenopathy and hepatomegaly (4 pts), hypogammaglobulinemia (0.5 pts), sepsis, poor growth (2 pts), and B lymphopenia (1 pt), with genotyping that did not identify an alternative basis for disease in the PIK3CD gene, which together are specific for PIK3R1-related immunodeficiency and SHORT syndrome (11.5 total points, PMID: 25488983, PP4). At least six other unrelated patients with this variant met the required threshold of 10 or more phenotypic points (PMID: 25939554, PMID: 27076228, PS4). This variant has been identified as a de novo occurrence with unconfirmed parental relationships in at least 6 affected individuals showing hypogammaglobulinemia with elevated serum IgM, upper and lower respiratory infections, and benign lymphoproliferation, and other clinical features reaching at least 10 total phenotype points. 1 proband had genotyping limited to the PIK3R1 locus (0.5 pts), while 5 probands were genotyped by exome or genome sequencing to exclude alternative causes in other loci (5.5 total pts, PMID: 25939554, PS2_VeryStrong). In summary, this variant meets the criteria to be classified as pathogenic for PIK3R1-related immunodeficiency and SHORT syndrome based on the ACMG/AMP criteria applied, as specified by the ClinGen Antibody Deficiencies VCEP: PVS1_Strong, PM2_Supporting, PP4, PS4, and PS2_VeryStrong. (VCEP specifications version 1.0.0; date of approval 04/29/2026).

Labcorp Genetics (formerly Invitae), Labcorp
Classification: Pathogenic for SHORT syndrome; Immunodeficiency 36 with lymphoproliferation; Agammaglobulinemia 7, autosomal recessive. Last evaluated: 2025-12-19. Review status: criteria provided, single submitter. Criteria: Invitae Variant Classification Sherloc (09022015). Collection method: clinical testing. Allele origin: germline. Not counted in ClinVar's aggregate classification.
Comment: This sequence change affects a donor splice site in intron 11 of the PIK3R1 gene. RNA analysis indicates that disruption of this splice site induces altered splicing and likely results in a shortened protein product. This variant is not present in population databases (gnomAD no frequency). Disruption of this splice site has been observed in individual(s) with hypogammaglobulinemia with elevated IgM, activated PI3K-delta syndrome, and SHORT syndrome (PMID: 25488983, 25939554, 27076228, 27116393, 27693481, 28302518). In at least one individual the variant was observed to be de novo. This variant is also known as g.67589663G>A. ClinVar contains an entry for this variant (Variation ID: 372467). Studies have shown that disruption of this splice site results in skipping of exon 11, but is expected to preserve the integrity of the reading-frame (PMID: 27076228). For these reasons, this variant has been classified as Pathogenic.

Dasa
Classification: Pathogenic. Last evaluated: 2024-12-06. Review status: criteria provided, single submitter. Criteria: DASA Assertion Criteria. Collection method: clinical testing. Allele origin: germline. Not counted in ClinVar's aggregate classification.
Comment: NM_181523.3(PIK3R1):c.1425+1G>A alters a canonical splice donor site and is expected to disrupt normal splicing. Loss-of-function is an established mechanism of disease for this gene. The variant has been reported in individuals with PIK3R1-related immunodeficiency and SHORT syndrome, including de novo occurrences (PMIDs: 25488983, 25939554, 27116393). Based on the available data, this variant is classified as pathogenic.

CeGaT Center for Human Genetics Tuebingen
Classification: Pathogenic. Last evaluated: 2024-12-01. Review status: criteria provided, single submitter. Criteria: CeGaT Center For Human Genetics Tuebingen Variant Classification Criteria Version 2. Collection method: clinical testing. Allele origin: germline. Affected: yes. Observed: 3 variant alleles. Not counted in ClinVar's aggregate classification.
Comment: PIK3R1: PM6:Strong, PM2, PS4:Moderate, PP3, PS3:Supporting

Center for Personalized Medicine, Children's Hospital Los Angeles
Classification: Pathogenic. Last evaluated: 2022-12-21. Review status: criteria provided, single submitter. Criteria: ACMG Guidelines, 2015. Collection method: clinical testing. Allele origin: de novo. Affected: yes. Not counted in ClinVar's aggregate classification.

Pittsburgh Clinical Genomics Laboratory, University of Pittsburgh Medical Center
Classification: Pathogenic for SHORT syndrome. Last evaluated: 2022-07-27. Review status: criteria provided, single submitter. Criteria: ACMG Guidelines, 2015. Collection method: clinical testing. Allele origin: germline. Inheritance: Autosomal dominant inheritance. Affected: yes. Not counted in ClinVar's aggregate classification.
Comment: This sequence variant is a single nucleotide substitution (G>A) at the +1 position downstream of the exon 11 canonical splice donor site of the PIK3R1 gene. This is a previously reported variant (ClinVar) which has been observed as a de novo variant in multiple individuals with a combition of phenotypes including short stature, immunodeficiency, hyper IgM syndrome, and hyperactivation of PI3K and AKT (PMID: 28302518, 27076228, 27693481, 25939554, 25488983, 27116393). This variant is not present in approximately 210300 alleles in the gnomAD control population dataset. Splicing studies show that this variant leads to an in-frame deletion of exon 11 (PMID: 25488983, 27076228); the variant protein is constitutively active, due to its ibility to properly interact with p110delta (PMID: 25488983). Based on the available evidence, we consider this variant to be pathogenic. ACMG Criteria: PM1, PM2, PM4, PP3, PP4, PS2, PS3, PS4

Fulgent Genetics
Classification: Pathogenic for SHORT syndrome; Agammaglobulinemia 7, autosomal recessive; Immunodeficiency 36 with lymphoproliferation. Last evaluated: 2022-03-29. Review status: criteria provided, single submitter. Criteria: ACMG Guidelines, 2015. Collection method: clinical testing. Allele origin: unknown. Not counted in ClinVar's aggregate classification.

Blueprint Genetics
Classification: Pathogenic for PIK3R1-related disorders. Last evaluated: 2021-04-14. Review status: criteria provided, single submitter. Criteria: ACMG Guidelines, 2015. Collection method: clinical testing. Allele origin: germline. Affected: yes. Observed: 2 variant alleles. Not counted in ClinVar's aggregate classification.

Baylor Genetics
Classification: Pathogenic for SHORT syndrome. Last evaluated: 2020-02-21. Review status: criteria provided, single submitter. Criteria: ACMG Guidelines, 2015. Collection method: clinical testing. Allele origin: unknown. Affected: yes. Not counted in ClinVar's aggregate classification.
Comment: This variant was determined to be pathogenic according to ACMG Guidelines, 2015 [PMID:25741868].

Mendelics
Classification: Likely pathogenic for SHORT syndrome. Last evaluated: 2019-05-28. Review status: criteria provided, single submitter. Criteria: Mendelics Assertion Criteria 2017. Collection method: clinical testing. Allele origin: unknown. Not counted in ClinVar's aggregate classification.

NIHR Bioresource Rare Diseases, University of Cambridge
Classification: Pathogenic for Inherited Immunodeficiency Diseases. Last evaluated: 2019-01-01. Review status: criteria provided, single submitter. Criteria: ACMG Guidelines, 2015. Collection method: research. Allele origin: germline. Affected: yes. Observed: 1 heterozygote. Not counted in ClinVar's aggregate classification.

Ambry Genetics
Classification: Pathogenic for Inborn genetic diseases. Last evaluated: 2017-12-15. Review status: criteria provided, single submitter. Criteria: Ambry exome assertion method (8-5-2015). Collection method: clinical testing. Allele origin: germline. Affected: yes. Observed: 1 variant allele. Not counted in ClinVar's aggregate classification.

NM_181523.3(PIK3R1):c.1425+1G>A

Gene: PIK3R1 (phosphoinositide-3-kinase regulatory subunit 1; plus strand). Cytogenetic location: 5q13.1.
Variant type: single nucleotide variant.
Coding change: c.1425+1G>A on transcript NM_181523.3 (MANE Select); the canonical splice donor site of the intron after coding-DNA position 1425, G replaced by A.
Molecular consequence: splice donor variant.
Genome position (GRCh38, 1-based): chr5:68,293,835, G>A. VCF-style: chr5-68293835-G-A. GRCh37 (hg19) VCF-style: chr5-67589663-G-A.
Other names: NM_181523.3:c.1425+1G>A; IVS11DS, G-A, +1; c.525+1G>A (NM_181524.2); c.615+1G>A (NM_181504.4); c.336+1G>A (NM_001242466.2).
Identifiers: ClinVar variation 372467 (VCV000372467.65), dbSNP rs587777709, ClinGen allele CA16042620.